The following is an entry in ClinVar:

NM_022829.6(SLC13A3):c.1147G>A (p.Val383Met)

Gene: SLC13A3 (solute carrier family 13 member 3; minus strand). Cytogenetic location: 20q13.12.
Variant type: single nucleotide variant.
Coding change: c.1147G>A on transcript NM_022829.6 (MANE Select); coding-DNA position 1147, G replaced by A.
Protein change: p.Val383Met; replaces valine 383 with methionine.
Molecular consequence: missense variant.
Genome position (GRCh38, 1-based): chr20:46,583,644, C>T on the plus strand (G>A on the coding strand, the complement: SLC13A3 is on the minus strand). VCF-style: chr20-46583644-C-T. GRCh37 (hg19) VCF-style: chr20-45212283-C-T.
Other names: c.1006G>A, p.Val336Met (NM_001011554.3); c.997G>A, p.Val333Met (NM_001193339.2); c.901G>A, p.Val301Met (NM_001193340.2); c.853G>A, p.Val285Met (NM_001193342.2); short protein forms V301M, V336M, V383M, V285M, V333M.
Identifiers: ClinVar variation 1464838 (VCV001464838.4), dbSNP rs146413120, ClinGen allele CA9891379.

ClinVar aggregate classification (germline): Uncertain significance (1 of 4 stars; one submission).

Allele frequency attached by ClinVar (database versions not stated): TOPMed 0.00015; ExAC 0.00017; gnomAD 0.00017 and 0.00018; ESP Exome Variant Server 0.00023.

Submission:

Labcorp Genetics (formerly Invitae), Labcorp
Classification: Uncertain significance. Last evaluated: 2023-12-06. Review status: criteria provided, single submitter. Criteria: Invitae Variant Classification Sherloc (09022015). Collection method: clinical testing. Allele origin: germline.
Comment: This sequence change replaces valine, which is neutral and non-polar, with methionine, which is neutral and non-polar, at codon 383 of the SLC13A3 protein (p.Val383Met). This variant is present in population databases (rs146413120, gnomAD 0.02%). This variant has not been reported in the literature in individuals affected with SLC13A3-related conditions. ClinVar contains an entry for this variant (Variation ID: 1464838). Advanced modeling of protein sequence and biophysical properties (such as structural, functional, and spatial information, amino acid conservation, physicochemical variation, residue mobility, and thermodynamic stability) performed at Invitae indicates that this missense variant is not expected to disrupt SLC13A3 protein function with a negative predictive value of 80%. In summary, the available evidence is currently insufficient to determine the role of this variant in disease. Therefore, it has been classified as a Variant of Uncertain Significance.